The following is an entry in ClinVar:

NM_003052.5(SLC34A1):c.1659C>T (p.Ala553=)

Gene: SLC34A1 (solute carrier family 34 member 1; plus strand). Cytogenetic location: 5q35.3.
Variant type: single nucleotide variant.
Coding change: c.1659C>T on transcript NM_003052.5 (MANE Select); coding-DNA position 1659, C replaced by T.
Protein change: p.Ala553=; no amino-acid change (alanine 553 retained).
Molecular consequence: synonymous variant.
Genome position (GRCh38, 1-based): chr5:177,398,025, C>T. VCF-style: chr5-177398025-C-T. GRCh37 (hg19) VCF-style: chr5-176825026-C-T.
Identifiers: ClinVar variation 4681686 (VCV004681686.6).
Genomic context (GRCh38, chr5:177,398,025, plus strand): 5'-CTCCATGGCAGGCTGGCAGGTCATGGTAGGTGTGGGCACGCCCTTCGGGGCCCTGCTGGC[C>T]TTCGTGGTGCTCATCAATGTCCTGCAGAGTCGGAGTCCCGGGCACCTGCCCAAGTGGTTA-3'
Protein context (NP_003043.3, residues 543-563): GVGTPFGALL[Ala553=]FVVLINVLQS

ClinVar aggregate classification (germline): Likely benign. Review status: criteria provided, multiple submitters, no conflicts (2 of 4 stars). 2 submissions from 2 submitters: Likely benign (2). Last evaluated 2025-12-01.

Submissions (2):

CeGaT Center for Human Genetics Tuebingen
Classification: Likely benign. Last evaluated: 2025-12-01. Review status: criteria provided, single submitter. Criteria: CeGaT Center For Human Genetics Tuebingen Variant Classification Criteria Version 2. Collection method: clinical testing. Allele origin: germline. Affected: yes. Observed: 1 variant allele.
Comment: SLC34A1: BP4, BP7

Labcorp Genetics (formerly Invitae), Labcorp
Classification: Likely benign. Last evaluated: 2025-06-19. Review status: criteria provided, single submitter. Criteria: Invitae Variant Classification Sherloc (09022015). Collection method: clinical testing. Allele origin: germline.